The following is an entry in ClinVar:

NM_001372076.1(PAX9):c.287_295dup (p.Phe98_Ala99insGlyIlePhe)

Gene: PAX9 (paired box 9; plus strand). Cytogenetic location: 14q13.3.
Variant type: Duplication.
Coding change: c.287_295dup on transcript NM_001372076.1 (MANE Select); coding-DNA positions 287 to 295, 9 bases duplicated (GCATCTTCG; older notation c.287_295dupGCATCTTCG).
Protein change: p.Phe98_Ala99insGlyIlePhe.
Molecular consequence: inframe insertion.
Genome position (GRCh38, 1-based): chr14:36,663,179-36,663,187, GCATCTTCG duplicated; duplicating any 9 consecutive bases within chr14:36,663,177-36,663,187 gives the same sequence; the c. name uses the placement nearest the transcript's 3' end. VCF-style (leftmost placement, unchanged base first): chr14-36663176-C-CCGGCATCTT. GRCh37 (hg19) VCF-style: chr14-37132381-C-CCGGCATCTT.
Other names: c.287_295dup, p.Phe98_Ala99insGlyIlePhe (NM_006194.4).
Identifiers: ClinVar variation 5038173 (VCV005038173.1).

ClinVar aggregate classification (germline): Likely pathogenic (1 of 4 stars; one submission).

Conditions:
Tooth agenesis, selective, 3 (STHAG3). Also called: HYPODONTIA/OLIGODONTIA 3. Identifiers: Orphanet 99798, MedGen C1970291, MONDO:0011477, OMIM 604625. Disease mechanism: loss of function.

Submission:

MVZ Medizinische Genetik Mainz
Classification: Likely pathogenic for Tooth agenesis, selective, 3. Last evaluated: 2026-10-02. Review status: criteria provided, single submitter. Criteria: UK Practice Guidelines For Variant Classification V4 01 2020. Collection method: clinical testing. Allele origin: germline. Inheritance: Autosomal dominant inheritance. Affected: yes. Observed: 1 variant allele.
Comment: ACMG Criteria: PM4,PM2_SUP,PP3